The following is an entry in ClinVar:

ClinVar aggregate classification (germline): Likely pathogenic (1 of 4 stars; one submission).

Conditions:
Chédiak-Higashi syndrome (CHS). Also called: Chediak-Higashi Syndrome. Identifiers: Orphanet 167, MedGen C0007965, MONDO:0008963, OMIM 214500.

Submission:

Labcorp Genetics (formerly Invitae), Labcorp
Classification: Likely pathogenic for Chédiak-Higashi syndrome. Last evaluated: 2023-02-04. Review status: criteria provided, single submitter. Criteria: Invitae Variant Classification Sherloc (09022015). Collection method: clinical testing. Allele origin: germline.
Comment: This sequence change affects an acceptor splice site in intron 22 of the LYST gene. It is expected to disrupt RNA splicing. Variants that disrupt the donor or acceptor splice site typically lead to a loss of protein function (PMID: 16199547), and loss-of-function variants in LYST are known to be pathogenic (PMID: 9215679, 11857544). This variant is not present in population databases (gnomAD no frequency). This variant has not been reported in the literature in individuals affected with LYST-related conditions. Algorithms developed to predict the effect of sequence changes on RNA splicing suggest that this variant may disrupt the consensus splice site. In summary, the currently available evidence indicates that the variant is pathogenic, but additional data are needed to prove that conclusively. Therefore, this variant has been classified as Likely Pathogenic.

Literature cited by the submitters: PubMed 16199547; PubMed 9215679; PubMed 11857544.

NM_000081.4(LYST):c.6254-1G>C

Gene: LYST (lysosomal trafficking regulator; minus strand). Cytogenetic location: 1q42.3.
Variant type: single nucleotide variant.
Coding change: c.6254-1G>C on transcript NM_000081.4 (MANE Select); the canonical splice acceptor site of the intron before coding-DNA position 6254, G replaced by C.
Molecular consequence: splice acceptor variant.
Genome position (GRCh38, 1-based): chr1:235,759,600, C>G on the plus strand (G>C on the coding strand, the complement: LYST is on the minus strand). VCF-style: chr1-235759600-C-G. GRCh37 (hg19) VCF-style: chr1-235922900-C-G.
Other names: c.6254-1G>C (NM_001301365.1).
Identifiers: ClinVar variation 2974307 (VCV002974307.3), dbSNP rs2527813203, ClinGen allele CA344943405.